The following is an entry in ClinVar:

NM_139318.5(KCNH5):c.859A>T (p.Asn287Tyr)

Gene: KCNH5 (potassium voltage-gated channel subfamily H member 5; minus strand). Cytogenetic location: 14q23.2.
Variant type: single nucleotide variant.
Coding change: c.859A>T on transcript NM_139318.5 (MANE Select); coding-DNA position 859, A replaced by T.
Protein change: p.Asn287Tyr; replaces asparagine 287 with tyrosine.
Molecular consequence: missense variant.
Genome position (GRCh38, 1-based): chr14:62,980,955, T>A on the plus strand (A>T on the coding strand, the complement: KCNH5 is on the minus strand). VCF-style: chr14-62980955-T-A. GRCh37 (hg19) VCF-style: chr14-63447673-T-A.
Other names: c.859A>T, p.Asn287Tyr (NM_172375.3); short protein forms N287Y.
Identifiers: ClinVar variation 2797459 (VCV002797459.3), dbSNP rs1890593998, ClinGen allele CA390103976.

ClinVar aggregate classification (germline): Uncertain significance (1 of 4 stars; one submission).

Conditions:
Early-infantile DEE. Also called: Early infantile epileptic encephalopathy; Early infantile epileptic encephalopathy with suppression bursts; Ohtahara syndrome. Identifiers: Orphanet 1934, MedGen C0393706, MONDO:0800491.

Submission:

Labcorp Genetics (formerly Invitae), Labcorp
Classification: Uncertain significance for Early-infantile DEE. Last evaluated: 2023-07-19. Review status: criteria provided, single submitter. Criteria: Invitae Variant Classification Sherloc (09022015). Collection method: clinical testing. Allele origin: germline.
Comment: This sequence change replaces asparagine, which is neutral and polar, with tyrosine, which is neutral and polar, at codon 287 of the KCNH5 protein (p.Asn287Tyr). In summary, the available evidence is currently insufficient to determine the role of this variant in disease. Therefore, it has been classified as a Variant of Uncertain Significance. Advanced modeling of protein sequence and biophysical properties (such as structural, functional, and spatial information, amino acid conservation, physicochemical variation, residue mobility, and thermodynamic stability) has been performed at Invitae for this missense variant, however the output from this modeling did not meet the statistical confidence thresholds required to predict the impact of this variant on KCNH5 protein function. This variant has not been reported in the literature in individuals affected with KCNH5-related conditions. This variant is not present in population databases (gnomAD no frequency).